The following is an entry in ClinVar:

NM_022041.4(GAN):c.1118A>T (p.Asp373Val)

Gene: GAN (gigaxonin; plus strand). Cytogenetic location: 16q23.2.
Variant type: single nucleotide variant.
Coding change: c.1118A>T on transcript NM_022041.4 (MANE Select); coding-DNA position 1118, A replaced by T.
Protein change: p.Asp373Val; replaces aspartic acid 373 with valine.
Molecular consequence: missense variant.
Genome position (GRCh38, 1-based): chr16:81,363,825, A>T. VCF-style: chr16-81363825-A-T. GRCh37 (hg19) VCF-style: chr16-81397430-A-T.
Other names: c.479A>T, p.Asp160Val (NM_001377486.1); short protein forms D373V, D160V.
Identifiers: ClinVar variation 2180390 (VCV002180390.2), dbSNP rs200507321, ClinGen allele CA8191629.

ClinVar aggregate classification (germline): Uncertain significance (1 of 4 stars; one submission).

Conditions:
Giant axonal neuropathy 1 (GAN1). Also called: GIANT AXONAL NEUROPATHY 1, AUTOSOMAL RECESSIVE; GAN-Related Neurodegeneration. Identifiers: Orphanet 643, MedGen C1850386, MONDO:0009749, OMIM 256850.

Allele frequency attached by ClinVar (database versions not stated): gnomAD exomes below 0.00001; ExAC 0.00002.
gnomAD v4.1: 5 of 1,613,316 alleles (0.00031%); highest among the groups gnomAD compares: Non-Finnish European, 0.00042%; no homozygotes.

Submission:

Labcorp Genetics (formerly Invitae), Labcorp
Classification: Uncertain significance for Giant axonal neuropathy 1. Last evaluated: 2025-06-23. Review status: criteria provided, single submitter. Criteria: Invitae Variant Classification Sherloc (09022015). Collection method: clinical testing. Allele origin: germline.
Comment: This sequence change replaces aspartic acid, which is acidic and polar, with valine, which is neutral and non-polar, at codon 373 of the GAN protein (p.Asp373Val). This variant is present in population databases (rs200507321, gnomAD 0.002%). This variant has not been reported in the literature in individuals affected with GAN-related conditions. ClinVar contains an entry for this variant (Variation ID: 2180390). Invitae Evidence Modeling of protein sequence and biophysical properties (such as structural, functional, and spatial information, amino acid conservation, physicochemical variation, residue mobility, and thermodynamic stability) has been performed for this missense variant. However, the output from this modeling did not meet the statistical confidence thresholds required to predict the impact of this variant on GAN protein function. In summary, the available evidence is currently insufficient to determine the role of this variant in disease. Therefore, it has been classified as a Variant of Uncertain Significance.